The following is an entry in ClinVar:

ClinVar aggregate classification (germline): Uncertain significance (1 of 4 stars; one submission).

Conditions:
Hereditary cancer-predisposing syndrome. Also called: Hereditary Cancer Syndrome; Neoplastic Syndromes, Hereditary; Tumor predisposition; Hereditary neoplastic syndrome. Identifiers: Orphanet 140162, MedGen C0027672, MeSH D009386, MONDO:0015356.

Submission:

Color Diagnostics, LLC DBA Color Health
Classification: Uncertain significance for Hereditary cancer-predisposing syndrome. Last evaluated: 2023-12-05. Review status: criteria provided, single submitter. Criteria: ACMG Guidelines, 2015. Collection method: clinical testing. Allele origin: germline.
Comment: This missense variant replaces glutamic acid with alanine at codon 1612 of the ATM protein. Computational prediction is inconclusive regarding the impact of this variant on protein structure and function (internally defined REVEL score threshold 0.5 < inconclusive < 0.7, PMID: 27666373). To our knowledge, functional studies have not been reported for this variant. This variant has not been reported in individuals affected with ATM-related disorders in the literature. This variant has not been identified in the general population by the Genome Aggregation Database (gnomAD). The available evidence is insufficient to determine the role of this variant in disease conclusively. Therefore, this variant is classified as a Variant of Uncertain Significance.

NM_000051.4(ATM):c.4835A>C (p.Glu1612Ala)

Gene: ATM (ATM serine/threonine kinase; plus strand). Cytogenetic location: 11q22.3.
Variant type: single nucleotide variant.
Coding change: c.4835A>C on transcript NM_000051.4 (MANE Select); coding-DNA position 4835, A replaced by C.
Protein change: p.Glu1612Ala; replaces glutamic acid 1612 with alanine.
Molecular consequence: missense variant.
Genome position (GRCh38, 1-based): chr11:108,294,985, A>C. VCF-style: chr11-108294985-A-C. GRCh37 (hg19) VCF-style: chr11-108165712-A-C.
Other names: c.4835A>C, p.Glu1612Ala (NM_001351834.2); short protein forms E1612A.
Identifiers: ClinVar variation 490583 (VCV000490583.5), dbSNP rs1555101776, ClinGen allele CA382536825.